The following is an entry in ClinVar:

NM_005689.4(ABCB6):c.659A>T (p.Glu220Val)

Gene: ABCB6 (ATP binding cassette subfamily B member 6 (LAN blood group); minus strand). Cytogenetic location: 2q35.
Variant type: single nucleotide variant.
Coding change: c.659A>T on transcript NM_005689.4 (MANE Select); coding-DNA position 659, A replaced by T.
Protein change: p.Glu220Val; replaces glutamic acid 220 with valine.
Molecular consequence: missense variant. On other transcripts: intron variant (1).
Genome position (GRCh38, 1-based): chr2:219,217,698, T>A on the plus strand (A>T on the coding strand, the complement: ABCB6 is on the minus strand). VCF-style: chr2-219217698-T-A. GRCh37 (hg19) VCF-style: chr2-220082420-T-A.
Other names: c.549+427A>T (NM_001349828.2); c.659A>T (NM_005689.2); short protein forms E220V.
Identifiers: ClinVar variation 2438736 (VCV002438736.5), dbSNP rs142256852, ClinGen allele CA2119692.

ClinVar aggregate classification (germline): Uncertain significance. Review status: criteria provided, multiple submitters, no conflicts (2 of 4 stars). 3 submissions from 3 submitters: Uncertain significance (3). Last evaluated 2023-06-07.

Conditions:
Dyschromatosis universalis hereditaria 3 (DUH3). Identifiers: MedGen C3809394, MONDO:0014169, OMIM 615402.

Allele frequency attached by ClinVar (database versions not stated): ESP Exome Variant Server 0.00046.
gnomAD v4.1: 501 of 1,612,534 alleles (0.031%); highest among the groups gnomAD compares: Non-Finnish European, 0.041%; no homozygotes.

Submissions (3):

GeneDx
Classification: Uncertain significance. Last evaluated: 2023-06-07. Review status: criteria provided, single submitter. Criteria: GeneDx Variant Classification Process June 2021. Collection method: clinical testing. Allele origin: germline. Affected: yes.
Comment: Has not been previously published as pathogenic or benign to our knowledge; In silico analysis supports that this missense variant does not alter protein structure/function, but is inconclusive as to whether the variant alters gene splicing; in the absence of RNA/functional studies, the actual effect of this sequence change is unknown

Department of Pathology and Laboratory Medicine, Sinai Health System
Classification: Uncertain significance for dyschromatosis universalis hereditaria 3. Last evaluated: 2021-07-30. Review status: criteria provided, single submitter. Criteria: ACMG Guidelines, 2015. Collection method: research. Allele origin: germline.

Revvity Omics, Revvity
Classification: Uncertain significance. Last evaluated: 2021-04-20. Review status: criteria provided, single submitter. Criteria: ACMG Guidelines, 2015. Collection method: clinical testing. Allele origin: germline.